The following is an entry in ClinVar:

ClinVar aggregate classification (germline): Uncertain significance. Review status: criteria provided, multiple submitters, no conflicts (2 of 4 stars). 2 submissions from 2 submitters: Uncertain significance (2). Last evaluated 2025-05-27.

Conditions:
NPHP1-related disorder. Also called: NPHP1-related disorders; NPHP1-related condition.
Nephronophthisis 1 (NPHP1). Also called: Nephronophthisis familial juvenile. Identifiers: Orphanet 655, Orphanet 93592, MedGen C1855681, MONDO:0009728, OMIM 256100.
Senior-Loken syndrome 1 (SLSN1). Also called: JUVENILE NEPHRONOPHTHISIS WITH LEBER AMAUROSIS. Identifiers: Orphanet 3156, MedGen C4551559, MONDO:0009962, OMIM 266900.
Joubert syndrome with renal defect. Also called: JOUBERT SYNDROME 4. Identifiers: Orphanet 220497, MedGen C1846790, MONDO:0012308, OMIM 609583.

Submissions (2):

PreventionGenetics, part of Exact Sciences
Classification: Uncertain significance for NPHP1-related condition. Last evaluated: 2025-05-27. Review status: criteria provided, single submitter. Criteria: ACMG Guidelines, 2015. Collection method: clinical testing. Allele origin: germline.
Comment: The NPHP1 c.2174T>C variant is predicted to result in the amino acid substitution p.Leu725Ser. To our knowledge, this variant has not been reported in the literature or in a large population database (gnomAD), indicating this variant is rare. At this time, the clinical significance of this variant is uncertain due to the absence of conclusive functional and genetic evidence.

Fulgent Genetics
Classification: Uncertain significance for Nephronophthisis 1; Senior-Loken syndrome 1; Joubert syndrome with renal defect. Last evaluated: 2024-01-30. Review status: criteria provided, single submitter. Criteria: ACMG Guidelines, 2015. Collection method: clinical testing. Allele origin: germline.

NM_001128178.3(NPHP1):c.2006T>C (p.Leu669Ser)

Gene: NPHP1 (nephrocystin 1; minus strand). Cytogenetic location: 2q13.
Variant type: single nucleotide variant.
Coding change: c.2006T>C on transcript NM_001128178.3 (MANE Select); coding-DNA position 2006, T replaced by C.
Protein change: p.Leu669Ser; replaces leucine 669 with serine.
Molecular consequence: missense variant. On other transcripts: 3 prime UTR variant (1).
Genome position (GRCh38, 1-based): chr2:110,123,819, A>G on the plus strand (T>C on the coding strand, the complement: NPHP1 is on the minus strand). VCF-style: chr2-110123819-A-G. GRCh37 (hg19) VCF-style: chr2-110881396-A-G.
Other names: c.2174T>C (NM_000272.4, NM_000272.3); c.1817T>C, p.Leu606Ser (NM_001128179.3); c.2003T>C, p.Leu668Ser (NM_001374256.1); c.*248T>C (NM_001374257.1); c.2171T>C, p.Leu724Ser (NM_207181.4); c.2174T>C, p.Leu725Ser (NM_000272.5); short protein forms L668S, L724S, L725S, L669S, L606S.
Identifiers: ClinVar variation 3584229 (VCV003584229.2).
Genomic context (GRCh38, chr2:110,123,819, plus strand): 5'-CGTGGGAAGCTGAGGGCTAGAGGCTGCCACTGTCACACTGCATTCTTTCTCATTTCACCC[A>G]AGAAGTCATAGGTCTGCTCTGAAAGGTCAAAAGGTTCATGAACTCCGTCTGGTGACAGCA-3'
Protein context (NP_001121650.1, residues 659-677): FDLSEQTYDF[Leu669Ser]GEMRKNAV